The following is an entry in ClinVar:

ClinVar aggregate classification (germline): Uncertain significance (1 of 4 stars; one submission).

Conditions:
Glycogen storage disease, type II (IOPD). Also called: POMPE DISEASE, INFANTILE-ONSET; GLYCOGEN STORAGE DISEASE II, INFANTILE-ONSET; ACID ALPHA-GLUCOSIDASE DEFICIENCY, INFANTILE-ONSET; GAA DEFICIENCY, INFANTILE-ONSET; ACID MALTASE DEFICIENCY, INFANTILE-ONSET; Glucosidase acid-1,4-alpha deficiency. Identifiers: Orphanet 365, MedGen C0017921, MONDO:0009290, OMIM 232300.

gnomAD v4.1: 3 of 1,612,602 alleles (0.00019%); highest among the groups gnomAD compares: Non-Finnish European, 0.00025%; no homozygotes.

Submission:

Labcorp Genetics (formerly Invitae), Labcorp
Classification: Uncertain significance for Glycogen storage disease, type II. Last evaluated: 2024-03-10. Review status: criteria provided, single submitter. Criteria: Invitae Variant Classification Sherloc (09022015). Collection method: clinical testing. Allele origin: germline.
Comment: This sequence change replaces histidine, which is basic and polar, with leucine, which is neutral and non-polar, at codon 10 of the GAA protein (p.His10Leu). This variant is not present in population databases (gnomAD no frequency). This variant has not been reported in the literature in individuals affected with GAA-related conditions. Advanced modeling of protein sequence and biophysical properties (such as structural, functional, and spatial information, amino acid conservation, physicochemical variation, residue mobility, and thermodynamic stability) performed at Invitae indicates that this missense variant is not expected to disrupt GAA protein function with a negative predictive value of 95%. In summary, the available evidence is currently insufficient to determine the role of this variant in disease. Therefore, it has been classified as a Variant of Uncertain Significance.

NM_000152.5(GAA):c.29A>T (p.His10Leu)

Gene: GAA (alpha glucosidase; plus strand). Cytogenetic location: 17q25.3.
Variant type: single nucleotide variant.
Coding change: c.29A>T on transcript NM_000152.5 (MANE Select); coding-DNA position 29, A replaced by T.
Protein change: p.His10Leu; replaces histidine 10 with leucine.
Molecular consequence: missense variant.
Genome position (GRCh38, 1-based): chr17:80,104,615, A>T. VCF-style: chr17-80104615-A-T. GRCh37 (hg19) VCF-style: chr17-78078414-A-T.
Other names: c.29A>T, p.His10Leu (NM_001079803.3, NM_001079804.3, NM_001406741.1 and 1 more transcripts); short protein forms H10L.
Identifiers: ClinVar variation 2976296 (VCV002976296.3), dbSNP rs2143823914, ClinGen allele CA401359950.
Genomic context (GRCh38, chr17:80,104,615, plus strand): 5'-GCCTGTAGGAGCTGTCCAGGCCATCTCCAACCATGGGAGTGAGGCACCCGCCCTGCTCCC[A>T]CCGGCTCCTGGCCGTCTGCGCCCTCGTGTCCTTGGCAACCGCTGCACTCCTGGGGCACAT-3'
Protein context (NP_000143.2, residues 1-20): MGVRHPPCS[His10Leu]RLLAVCALVS